The following is an entry in ClinVar:

NM_015404.4(WHRN):c.2269G>A (p.Gly757Arg)

Gene: WHRN (whirlin; minus strand). Cytogenetic location: 9q32.
Variant type: single nucleotide variant.
Coding change: c.2269G>A on transcript NM_015404.4 (MANE Select); coding-DNA position 2269, G replaced by A.
Protein change: p.Gly757Arg; replaces glycine 757 with arginine.
Molecular consequence: missense variant.
Genome position (GRCh38, 1-based): chr9:114,404,045, C>T on the plus strand (G>A on the coding strand, the complement: WHRN is on the minus strand). VCF-style: chr9-114404045-C-T. GRCh37 (hg19) VCF-style: chr9-117166325-C-T.
Other names: c.1120G>A, p.Gly374Arg (NM_001083885.3); c.2266G>A, p.Gly756Arg (NM_001173425.2); c.1216G>A, p.Gly406Arg (NM_001346890.1); short protein forms G374R, G756R, G757R, G406R.
Identifiers: ClinVar variation 1929399 (VCV001929399.5), dbSNP rs377488287, ClinGen allele CA5205677.

ClinVar aggregate classification (germline): Uncertain significance. Review status: criteria provided, multiple submitters, no conflicts (2 of 4 stars). 2 submissions from 2 submitters: Uncertain significance (2). Last evaluated 2024-03-04.

Allele frequency attached by ClinVar (database versions not stated): gnomAD 0.00001; TOPMed 0.00001; ExAC 0.00007; ESP Exome Variant Server 0.00008; 1000 Genomes Project 0.00020; 1000 Genomes Project 30x 0.00031.
gnomAD v4.1: 46 of 1,613,362 alleles (0.0029%); highest among the groups gnomAD compares: South Asian, 0.04%; no homozygotes.

Submissions (2):

Labcorp Genetics (formerly Invitae), Labcorp
Classification: Uncertain significance. Last evaluated: 2024-03-04. Review status: criteria provided, single submitter. Criteria: Invitae Variant Classification Sherloc (09022015). Collection method: clinical testing. Allele origin: germline.
Comment: This sequence change replaces glycine, which is neutral and non-polar, with arginine, which is basic and polar, at codon 757 of the WHRN protein (p.Gly757Arg). This variant is present in population databases (rs377488287, gnomAD 0.04%). This variant has not been reported in the literature in individuals affected with WHRN-related conditions. ClinVar contains an entry for this variant (Variation ID: 1929399). An algorithm developed to predict the effect of missense changes on protein structure and function (PolyPhen-2) suggests that this variant is likely to be disruptive. In summary, the available evidence is currently insufficient to determine the role of this variant in disease. Therefore, it has been classified as a Variant of Uncertain Significance.

Blueprint Genetics
Classification: Uncertain significance. Last evaluated: 2021-06-16. Review status: criteria provided, single submitter. Criteria: ACMG Guidelines, 2015. Collection method: clinical testing. Allele origin: germline.